The following is an entry in ClinVar:

NM_000219.6(KCNE1):c.302A>T (p.Glu101Val)

Gene: KCNE1 (potassium voltage-gated channel subfamily E regulatory subunit 1; minus strand). Cytogenetic location: 21q22.12.
Variant type: single nucleotide variant.
Coding change: c.302A>T on transcript NM_000219.6 (MANE Select); coding-DNA position 302, A replaced by T.
Protein change: p.Glu101Val; replaces glutamic acid 101 with valine.
Molecular consequence: missense variant.
Genome position (GRCh38, 1-based): chr21:34,449,333, T>A on the plus strand (A>T on the coding strand, the complement: KCNE1 is on the minus strand). VCF-style: chr21-34449333-T-A. GRCh37 (hg19) VCF-style: chr21-35821631-T-A.
Other names: c.302A>T, p.Glu101Val (NM_001127668.4, NM_001127669.4, NM_001127670.4 and 4 more transcripts); short protein forms E101V.
Identifiers: ClinVar variation 3374579 (VCV003374579.2).

Conditions:
Long QT syndrome 5 (LQT5). Identifiers: Orphanet 101016, Orphanet 768, MedGen C1867904, MONDO:0013372, OMIM 613695.

Submission:

Roden Lab, Vanderbilt University Medical Center
No classification provided (evidence only). Condition: Long QT syndrome 5. Review status: no classification provided. Collection method: in vitro. Allele origin: not applicable. Functional consequence: Effect on ion channel function.
ClinVar note: "not provided" was previously submitted as the classification for the variant. However, the classification appeared to be based only on an observation of functional data so it was converted to no classification on 2025-07-30.